The following is an entry in ClinVar:

NM_015665.6(AAAS):c.489_511dup (p.Leu171fs)

Gene: AAAS (aladin WD repeat nucleoporin; minus strand). Cytogenetic location: 12q13.13.
Variant type: Duplication.
Coding change: c.489_511dup on transcript NM_015665.6 (MANE Select); coding-DNA positions 489 to 511, 23 bases duplicated (CAACAAGTTTGCAGTGGCCCTGC).
Protein change: p.Leu171fs; shifts the reading frame from leucine 171.
Molecular consequence: frameshift variant. On other transcripts: intron variant (1).
Genome position (GRCh38, 1-based): chr12:53,314,785-53,314,807, GCAGGGCCACTGCAAACTTGTTG duplicated on the plus strand (CAACAAGTTTGCAGTGGCCCTGC on the coding strand, the reverse complement: AAAS is on the minus strand); duplicating any 23 consecutive bases within chr12:53,314,785-53,314,808 gives the same sequence; the c. name uses the placement nearest the transcript's 3' end. VCF-style (leftmost placement, unchanged base first): chr12-53314784-A-AGCAGGGCCACTGCAAACTTGTTG. GRCh37 (hg19) VCF-style: chr12-53708568-A-AGCAGGGCCACTGCAAACTTGTTG.
Other names: c.446+287_446+309dup (NM_001173466.2); short protein forms L171fs.
Identifiers: ClinVar variation 2701131 (VCV002701131.3), dbSNP rs2498624378, ClinGen allele CA2697559282.
Genomic context (GRCh38, chr12:53,314,784, plus strand): 5'-GAGCCCACCTGGTGTCCCCACACACACCTGCTGGCATTATACACACGGACTGAGTCATCT[A>AGCAGGGCCACTGCAAACTTGTTG]GCAGGGCCACTGCAAACTTGTTGGTGTGGGGGTGCCATGCAAAGACACGCAAGCAGCAGC-3'

ClinVar aggregate classification (germline): Pathogenic (1 of 4 stars; one submission).

Submission:

Labcorp Genetics (formerly Invitae), Labcorp
Classification: Pathogenic. Last evaluated: 2023-12-05. Review status: criteria provided, single submitter. Criteria: Invitae Variant Classification Sherloc (09022015). Collection method: clinical testing. Allele origin: germline.
Comment: This sequence change creates a premature translational stop signal (p.Leu171Profs*9) in the AAAS gene. It is expected to result in an absent or disrupted protein product. Loss-of-function variants in AAAS are known to be pathogenic (PMID: 11159947). This variant is not present in population databases (gnomAD no frequency). This variant has not been reported in the literature in individuals affected with AAAS-related conditions. For these reasons, this variant has been classified as Pathogenic.

Literature cited by the submitters: PubMed 11159947.